The following is an entry in ClinVar:

ClinVar aggregate classification (germline): Uncertain significance. Review status: criteria provided, multiple submitters, no conflicts (2 of 4 stars). 2 submissions from 2 submitters: Uncertain significance (2). Last evaluated 2023-04-26.

Conditions:
Inborn genetic diseases. Identifiers: MedGen C0950123, MeSH D030342.

Allele frequency attached by ClinVar (database versions not stated): gnomAD 0.00001; gnomAD exomes 0.00002; TOPMed 0.00002; ExAC 0.00003.
gnomAD v4.1: 22 of 1,612,788 alleles (0.0014%); highest among the groups gnomAD compares: Non-Finnish European, 0.0019%; no homozygotes.

Submissions (2):

Ambry Genetics
Classification: Uncertain significance for Inborn genetic diseases. Last evaluated: 2023-04-26. Review status: criteria provided, single submitter. Criteria: Ambry Variant Classification Scheme 2023. Collection method: clinical testing. Allele origin: germline.

Labcorp Genetics (formerly Invitae), Labcorp
Classification: Uncertain significance. Last evaluated: 2022-03-09. Review status: criteria provided, single submitter. Criteria: Invitae Variant Classification Sherloc (09022015). Collection method: clinical testing. Allele origin: germline.
Comment: Algorithms developed to predict the effect of missense changes on protein structure and function (SIFT, PolyPhen-2, Align-GVGD) all suggest that this variant is likely to be tolerated. This variant has not been reported in the literature in individuals affected with COMP-related conditions. This variant is present in population databases (rs762207370, gnomAD 0.006%). This sequence change replaces arginine, which is basic and polar, with glutamine, which is neutral and polar, at codon 379 of the COMP protein (p.Arg379Gln). In summary, the available evidence is currently insufficient to determine the role of this variant in disease. Therefore, it has been classified as a Variant of Uncertain Significance.

NM_000095.3(COMP):c.1136G>A (p.Arg379Gln)

Gene: COMP (cartilage oligomeric matrix protein; minus strand). Cytogenetic location: 19p13.11.
Variant type: single nucleotide variant.
Coding change: c.1136G>A on transcript NM_000095.3 (MANE Select); coding-DNA position 1136, G replaced by A.
Protein change: p.Arg379Gln; replaces arginine 379 with glutamine.
Molecular consequence: missense variant.
Genome position (GRCh38, 1-based): chr19:18,786,650, C>T on the plus strand (G>A on the coding strand, the complement: COMP is on the minus strand). VCF-style: chr19-18786650-C-T. GRCh37 (hg19) VCF-style: chr19-18897460-C-T.
Other names: c.1136G>A (NM_000095.2); short protein forms R379Q.
Identifiers: ClinVar variation 1391824 (VCV001391824.7), dbSNP rs762207370, ClinGen allele CA9316510.